The following is an entry in ClinVar:

ClinVar aggregate classification (germline): Uncertain significance (1 of 4 stars; one submission).

Conditions:
Congenital disorder of glycosylation type Ir (CDG1R). Also called: DDOST-congenital disorder of glycosylation. Identifiers: Orphanet 300536, MedGen C3281084, MONDO:0013789, OMIM 614507.

Submission:

Labcorp Genetics (formerly Invitae), Labcorp
Classification: Uncertain significance for Congenital disorder of glycosylation type Ir. Last evaluated: 2023-12-18. Review status: criteria provided, single submitter. Criteria: Invitae Variant Classification Sherloc (09022015). Collection method: clinical testing. Allele origin: germline.
Comment: This variant, c.1338_1340del, results in the deletion of 1 amino acid(s) of the DDOST protein (p.Phe446del), but otherwise preserves the integrity of the reading frame. This variant is not present in population databases (gnomAD no frequency). This variant has not been reported in the literature in individuals affected with DDOST-related conditions. Experimental studies and prediction algorithms are not available or were not evaluated, and the functional significance of this variant is currently unknown. In summary, the available evidence is currently insufficient to determine the role of this variant in disease. Therefore, it has been classified as a Variant of Uncertain Significance.

NM_005216.5(DDOST):c.1284CTT[1] (p.Phe429del)

Gene: DDOST (dolichyl-diphosphooligosaccharide--protein glycosyltransferase non-catalytic subunit; minus strand). Cytogenetic location: 1p36.12.
Variant type: Microsatellite.
Coding change: c.1284CTT[1] on transcript NM_005216.5 (MANE Select); one copy of the 3-base unit CTT starting at c.1284; the reference has two copies in a row; one copy, 3 bases deleted.
Protein change: p.Phe429del; deletes phenylalanine 429.
Molecular consequence: inframe deletion.
Genome position (GRCh38, 1-based): chr1:20,652,410-20,652,412, AAG deleted on the plus strand (CTT on the coding strand, the reverse complement: DDOST is on the minus strand); deleting any 3 consecutive bases within chr1:20,652,410-20,652,416 gives the same sequence; the position shown is the placement nearest the transcript's 3' end. VCF-style (leftmost placement, unchanged base first): chr1-20652409-CAAG-C. GRCh37 (hg19) VCF-style: chr1-20978902-CAAG-C.
Other names: short protein forms F429del.
Identifiers: ClinVar variation 1985048 (VCV001985048.4), dbSNP rs2545272155, ClinGen allele CA2580611423.